The following is an entry in ClinVar:

NM_000038.6(APC):c.395G>A (p.Gly132Glu)

Gene: APC (APC regulator of Wnt signaling pathway; plus strand). Cytogenetic location: 5q22.2.
Variant type: single nucleotide variant.
Coding change: c.395G>A on transcript NM_000038.6 (MANE Select); coding-DNA position 395, G replaced by A.
Protein change: p.Gly132Glu; replaces glycine 132 with glutamic acid.
Molecular consequence: missense variant. On other transcripts: 5 prime UTR variant (4), non-coding transcript variant (2).
Genome position (GRCh38, 1-based): chr5:112,767,363, G>A. VCF-style: chr5-112767363-G-A. GRCh37 (hg19) VCF-style: chr5-112103060-G-A.
Other names: c.395G>A, p.Gly132Glu (NM_001127510.3, NM_001354895.2, NM_001354896.2 and 16 more transcripts); c.425G>A, p.Gly142Glu (NM_001127511.3, NM_001354897.2, NM_001354902.2 and 1 more transcripts); c.320G>A, p.Gly107Glu (NM_001354898.2, NM_001354904.2, NM_001407451.1); c.218G>A, p.Gly73Glu (NM_001354900.2, NM_001354901.2, NM_001354905.2 and 1 more transcripts); c.-641G>A (NM_001354906.2, NM_001407470.1, NM_001407471.1 and 1 more transcripts); short protein forms G132E, G73E, G142E, G107E.
Identifiers: ClinVar variation 2773689 (VCV002773689.2), dbSNP rs2149789772, ClinGen allele CA16022181.

ClinVar aggregate classification (germline): Uncertain significance (1 of 4 stars; one submission).

Conditions:
Hereditary cancer-predisposing syndrome. Also called: Hereditary neoplastic syndrome; Hereditary Cancer Syndrome; Neoplastic Syndromes, Hereditary; Tumor predisposition. Identifiers: Orphanet 140162, MedGen C0027672, MeSH D009386, MONDO:0015356.

Submission:

Color Diagnostics, LLC DBA Color Health
Classification: Uncertain significance for Hereditary cancer-predisposing syndrome. Last evaluated: 2023-03-01. Review status: criteria provided, single submitter. Criteria: ACMG Guidelines, 2015. Collection method: clinical testing. Allele origin: germline.
Comment: This missense variant replaces glycine with glutamic acid at codon 132 of the APC protein. Computational prediction suggests that this variant may not impact protein structure and function (internally defined REVEL score threshold <= 0.5, PMID: 27666373). To our knowledge, functional studies have not been reported for this variant. This variant has not been reported in individuals affected with APC-related disorders in the literature. This variant has not been identified in the general population by the Genome Aggregation Database (gnomAD). The available evidence is insufficient to determine the role of this variant in disease conclusively. Therefore, this variant is classified as a Variant of Uncertain Significance.